The following is an entry in ClinVar:

NC_000017.11:g.(?_58709853)_(58709996_?)del

Gene: RAD51C (RAD51 paralog C; plus strand). Cytogenetic location: 17q22.
Variant type: Deletion.
Identifiers: ClinVar variation 538797 (VCV000538797.1).

ClinVar aggregate classification (germline): Likely pathogenic (1 of 4 stars; one submission).

Conditions:
Fanconi anemia complementation group O. Also called: RAD51C-Related Fanconi Anemia. Identifiers: Orphanet 84, MedGen C3150653, MONDO:0013248, OMIM 613390.

Submission:

Labcorp Genetics (formerly Invitae), Labcorp
Classification: Likely pathogenic for Fanconi anemia, complementation group O. Last evaluated: 2018-02-14. Review status: criteria provided, single submitter. Criteria: Invitae Variant Classification Sherloc (09022015). Collection method: clinical testing. Allele origin: germline.
Comment: This variant is an in-frame deletion of the genomic region encompassing exon 5 of the RAD51C gene. It preserves the integrity of the reading frame. A deletion of exon 5 of the RAD51C gene has been reported in an individual who was referred for cancer gene panel testing, and an individual affected with breast cancer (PMID: 26681312, Invitae). This deletion removes the highly conserved Walker B ATPase domain of the RAD51C protein (PMID: 14704354). Moreover, a missense substitution at codon 258 (p.Arg258His) in exon 5 has been reported in individuals affected with breast and/or ovarian cancer, and shown to disrupt the RAD51C protein function in the repair of DNA replication-associated double-stranded breaks (PMID: 20400963, 22167183, 26354865). This suggests that deletion of exon 5 may also be pathogenic. In summary, the currently available evidence indicates that the variant is pathogenic, but additional data are needed to prove that conclusively. Therefore, this variant has been classified as Likely Pathogenic.

Literature cited by the submitters: PubMed 26681312; PubMed 26354865; PubMed 20400963; PubMed 14704354; PubMed 22167183.